The following is an entry in ClinVar:

NM_054012.4(ASS1):c.914A>T (p.Glu305Val)

Gene: ASS1 (argininosuccinate synthase 1; plus strand). Cytogenetic location: 9q34.11.
Variant type: single nucleotide variant.
Coding change: c.914A>T on transcript NM_054012.4 (MANE Select); coding-DNA position 914, A replaced by T.
Protein change: p.Glu305Val; replaces glutamic acid 305 with valine.
Molecular consequence: missense variant.
Genome position (GRCh38, 1-based): chr9:130,489,408, A>T. VCF-style: chr9-130489408-A-T. GRCh37 (hg19) VCF-style: chr9-133364795-A-T.
Other names: c.914A>T, p.Glu305Val (NM_000050.4); short protein forms E305V.
Identifiers: ClinVar variation 92378 (VCV000092378.44), dbSNP rs398123132, ClinGen allele CA220300.

ClinVar aggregate classification (germline): Uncertain significance. Review status: criteria provided, multiple submitters, no conflicts (2 of 4 stars). 2 submissions from 2 submitters: Uncertain significance (2). Last evaluated 2022-05-12.

Conditions:
Citrullinemia. Identifiers: Orphanet 187, MedGen C0175683, MONDO:0015991.

Submissions (2):

Labcorp Genetics (formerly Invitae), Labcorp
Classification: Uncertain significance for Citrullinemia. Last evaluated: 2022-05-12. Review status: criteria provided, single submitter. Criteria: Invitae Variant Classification Sherloc (09022015). Collection method: clinical testing. Allele origin: germline.
Comment: This sequence change replaces glutamic acid, which is acidic and polar, with valine, which is neutral and non-polar, at codon 305 of the ASS1 protein (p.Glu305Val). This variant is not present in population databases (gnomAD no frequency). This variant has not been reported in the literature in individuals affected with ASS1-related conditions. ClinVar contains an entry for this variant (Variation ID: 92378). Algorithms developed to predict the effect of missense changes on protein structure and function are either unavailable or do not agree on the potential impact of this missense change (SIFT: "Deleterious"; PolyPhen-2: "Probably Damaging"; Align-GVGD: "Class C0"). In summary, the available evidence is currently insufficient to determine the role of this variant in disease. Therefore, it has been classified as a Variant of Uncertain Significance.

Eurofins Ntd Llc (ga)
Classification: Uncertain significance. Last evaluated: 2012-12-03. Review status: criteria provided, single submitter. Criteria: EGL Classification Definitions 2015. Collection method: clinical testing. Allele origin: germline. Observed: 2 variant alleles, 2 heterozygotes.